The following is an entry in ClinVar:

NM_177438.3(DICER1):c.4206+1G>A

Gene: DICER1 (dicer 1, ribonuclease III; minus strand). Cytogenetic location: 14q32.13.
Variant type: single nucleotide variant.
Coding change: c.4206+1G>A on transcript NM_177438.3 (MANE Select); the canonical splice donor site of the intron after coding-DNA position 4206, G replaced by A.
Molecular consequence: splice donor variant.
Genome position (GRCh38, 1-based): chr14:95,099,779, C>T on the plus strand (G>A on the coding strand, the complement: DICER1 is on the minus strand). VCF-style: chr14-95099779-C-T. GRCh37 (hg19) VCF-style: chr14-95566116-C-T.
Other names: c.4206+1G>A (NM_001291628.2, NM_030621.4, NM_001395677.1 and 13 more transcripts); c.3801+1G>A (NM_001395690.1, NM_001395687.1, NM_001395689.1 and 2 more transcripts); c.3924+1G>A (NM_001395686.1); c.3639+1G>A (NM_001395691.1); c.2523+1G>A (NM_001395697.1).
Identifiers: ClinVar variation 1523062 (VCV001523062.11), dbSNP rs765059994, ClinGen allele CA390871676.

ClinVar aggregate classification (germline): Conflicting classifications of pathogenicity. Review status: criteria provided, conflicting classifications (1 of 4 stars). 3 submissions from 3 submitters: Likely pathogenic (2); Uncertain significance (1). Last evaluated 2025-04-22.

Conditions:
DICER1-related disorder. Also called: DICER1-related condition.
Hereditary cancer-predisposing syndrome. Also called: Tumor predisposition; Neoplastic Syndromes, Hereditary; Hereditary Cancer Syndrome; Hereditary neoplastic syndrome. Identifiers: Orphanet 140162, MedGen C0027672, MeSH D009386, MONDO:0015356.
DICER1-related tumor predisposition. Also called: DICER1-related pleuropulmonary blastoma cancer predisposition syndrome; DICER1 syndrome. Identifiers: Orphanet 284343, MedGen C3839822, MONDO:0100216.

Submissions (3):

Ambry Genetics
Classification: Uncertain significance for Hereditary cancer-predisposing syndrome. Last evaluated: 2025-04-22. Review status: criteria provided, single submitter. Criteria: Ambry Variant Classification Scheme 2023. Collection method: clinical testing. Allele origin: germline.
Comment: The c.4206+1G>A intronic variant results from a G to A substitution one nucleotide after coding exon 21 of the DICER1 gene. Alterations that disrupt the canonical splice site are expected to result in aberrant splicing. In silico splice site analysis predicts that this alteration will weaken the native splice donor site. A resulting transcript is predicted to be in-frame and is not expected to trigger nonsense-mediated mRNAdecay; although, direct evidence is unavailable. This nucleotide position is highly conserved in available vertebrate species. Based on the available evidence, the clinical significance of this variant remains unclear.

Blueprint Genetics
Classification: Likely pathogenic for DICER1-related disorders. Last evaluated: 2023-09-07. Review status: criteria provided, single submitter. Criteria: ACMG Guidelines, 2015. Collection method: clinical testing. Allele origin: germline. Affected: yes. Observed: 1 variant allele.

Labcorp Genetics (formerly Invitae), Labcorp
Classification: Likely pathogenic for DICER1-related tumor predisposition. Last evaluated: 2022-08-18. Review status: criteria provided, single submitter. Criteria: Invitae Variant Classification Sherloc (09022015). Collection method: clinical testing. Allele origin: germline.
Comment: This sequence change affects a donor splice site in intron 22 of the DICER1 gene. It is expected to disrupt RNA splicing. Variants that disrupt the donor or acceptor splice site typically lead to a loss of protein function (PMID: 16199547), and loss-of-function variants in DICER1 are known to be pathogenic (PMID: 19556464, 21266384). This variant is not present in population databases (gnomAD no frequency). Disruption of this splice site has been observed in individual(s) with endometrial cancer or with clinical features of DICER1 syndrome (PMID: 29625052, 30672147; Invitae). ClinVar contains an entry for this variant (Variation ID: 1523062). Algorithms developed to predict the effect of sequence changes on RNA splicing suggest that this variant may disrupt the consensus splice site. In summary, the currently available evidence indicates that the variant is pathogenic, but additional data are needed to prove that conclusively. Therefore, this variant has been classified as Likely Pathogenic.

Literature cited by the submitters: PubMed 16199547 (cited by Labcorp Genetics (formerly Invitae), Labcorp); PubMed 19556464 (cited by Labcorp Genetics (formerly Invitae), Labcorp); PubMed 21266384 (cited by Labcorp Genetics (formerly Invitae), Labcorp); PubMed 29625052 (cited by Labcorp Genetics (formerly Invitae), Labcorp); PubMed 30672147 (cited by Labcorp Genetics (formerly Invitae), Labcorp).